The following is an entry in ClinVar:

NM_004523.4(KIF11):c.849G>C (p.Arg283=)

Gene: KIF11 (kinesin family member 11; plus strand). Cytogenetic location: 10q23.33.
Variant type: single nucleotide variant.
Coding change: c.849G>C on transcript NM_004523.4 (MANE Select); coding-DNA position 849, G replaced by C.
Protein change: p.Arg283=; no amino-acid change (arginine 283 retained).
Molecular consequence: synonymous variant.
Genome position (GRCh38, 1-based): chr10:92,613,436, G>C. VCF-style: chr10-92613436-G-C. GRCh37 (hg19) VCF-style: chr10-94373193-G-C.
Identifiers: ClinVar variation 2640677 (VCV002640677.24), dbSNP rs1400319426, ClinGen allele CA470783477.
Genomic context (GRCh38, chr10:92,613,436, plus strand): 5'-GGTTGATCTTGCAGGAAGTGAAAACATTGGCCGTTCTGGAGCTGTTGATAAGAGAGCTCG[G>C]GAAGCTGGAAATATAAATCAATCCCTGTTGACTTTGGGAAGGGTCATTACTGCCCTTGTA-3'
Protein context (NP_004514.2, residues 273-293): GRSGAVDKRA[Arg283=]EAGNINQSLL

ClinVar aggregate classification (germline): Likely benign (1 of 4 stars; one submission).

Allele frequency attached by ClinVar (database versions not stated): gnomAD exomes below 0.00001.
gnomAD v4.1: 1 of 1,611,232 alleles (0.000062%); highest among the groups gnomAD compares: Non-Finnish European, 0.000085%; no homozygotes.

Submission:

CeGaT Center for Human Genetics Tuebingen
Classification: Likely benign. Last evaluated: 2022-06-01. Review status: criteria provided, single submitter. Criteria: CeGaT Center For Human Genetics Tuebingen Variant Classification Criteria Version 2. Collection method: clinical testing. Allele origin: germline. Affected: yes. Observed: 1 variant allele.
Comment: KIF11: BP4, BP7